The following is an entry in ClinVar:

ClinVar aggregate classification (germline): Pathogenic (1 of 4 stars; one submission).

Conditions:
Benign paroxysmal tonic upgaze of childhood with ataxia (NOC2). Also called: NEUROOCULAR SYNDROME 2, PAROXYSMAL TYPE; PAROXYSMAL TONIC UPGAZE, BENIGN CHILDHOOD, WITH ATAXIA. Identifiers: Orphanet 1179, MedGen C1868576, MONDO:0008206, OMIM 168885.

Submission:

Center for Human Genetics and Genomic Medicine, Uniklinik Rwth Aachen
Classification: Pathogenic for Benign paroxysmal tonic upgaze of childhood with ataxia. Last evaluated: 2024-06-14. Review status: criteria provided, single submitter. Criteria: ACMG Guidelines, 2015. Collection method: clinical testing. Allele origin: de novo. Inheritance: Autosomal dominant inheritance. Affected: yes. Observed: 1 heterozygote.
Comment: To date, the sequence variant identified here is not listed in the control database gnomAD v4.0.0 and has not been reported in the literature. The variant is located in the last exon of the DAGLA gene and leads to a frameshift with a premature stop codon. Truncating de novo variants in the last exon of the DAGLA gene have been reported as pathogenic in the literature. Based on current knowledge, the change is classified as "pathogenic". NOC2 (OMIMP: 168885):

NM_006133.3(DAGLA):c.2401del (p.Arg801fs)

Gene: DAGLA (diacylglycerol lipase alpha; plus strand). Cytogenetic location: 11q12.2.
Variant type: Deletion.
Coding change: c.2401del on transcript NM_006133.3 (MANE Select); coding-DNA position 2401, one base deleted (C; older notation c.2401delC).
Protein change: p.Arg801fs; shifts the reading frame from arginine 801.
Molecular consequence: frameshift variant.
Genome position (GRCh38, 1-based): chr11:61,743,761, C deleted; the last of 2 consecutive C bases (chr11:61,743,760-61,743,761); deleting either gives the same sequence. VCF-style (leftmost placement, unchanged base first): chr11-61743759-TC-T. GRCh37 (hg19) VCF-style: chr11-61511231-TC-T.
Other names: short protein forms R801fs.
Identifiers: ClinVar variation 3391177 (VCV003391177.3).